The following is an entry in ClinVar:

NM_057175.5(NAA15):c.1433A>G (p.Asn478Ser)

Gene: NAA15 (N-alpha-acetyltransferase 15, NatA auxiliary subunit; plus strand). Cytogenetic location: 4q31.1.
Variant type: single nucleotide variant.
Coding change: c.1433A>G on transcript NM_057175.5 (MANE Select); coding-DNA position 1433, A replaced by G.
Protein change: p.Asn478Ser; replaces asparagine 478 with serine.
Molecular consequence: missense variant.
Genome position (GRCh38, 1-based): chr4:139,360,522, A>G. VCF-style: chr4-139360522-A-G. GRCh37 (hg19) VCF-style: chr4-140281676-A-G.
Other names: c.1433A>G, p.Asn478Ser (NM_001410842.1); short protein forms N478S.
Identifiers: ClinVar variation 4690107 (VCV004690107.1).
Genomic context (GRCh38, chr4:139,360,522, plus strand): 5'-ATAAAAAGTGATCTTGAAAATATTTGATTTCTGTATAGGAAGGAACATCAGCGGTAGAGA[A>G]TTTGAATGAAATGCAGTGCATGTGGTTCCAAACAGAATGTGCCCAGGCTTATAAAGCAAT-3'
Protein context (NP_476516.1, residues 468-488): FTREGTSAVE[Asn478Ser]LNEMQCMWFQ

ClinVar aggregate classification (germline): Uncertain significance (1 of 4 stars; one submission).

Submission:

GeneDx
Classification: Uncertain significance. Last evaluated: 2025-07-29. Review status: criteria provided, single submitter. Criteria: GeneDx Variant Classification Process June 2021. Collection method: clinical testing. Allele origin: germline. Affected: yes.
Comment: Not observed at significant frequency in large population cohorts (gnomAD); In silico analysis supports that this missense variant has a deleterious effect on protein structure/function; Has not been previously published as pathogenic or benign to our knowledge